The following is an entry in ClinVar:

ClinVar aggregate classification (germline): Pathogenic (1 of 4 stars; one submission).

Conditions:
Intellectual disability. Also called: intellectual disabilities; Intellectual functioning disability; Intellectual developmental disorder. Identifiers: MedGen C3714756, MeSH D008607, MONDO:0001071, HP:0001249.
Moderate global developmental delay. Identifiers: MedGen C2237142, HP:0011343.
Seizure. Also called: Seizures. Identifiers: MedGen C0036572, HP:0001250.

Submission:

Groupe Hospitalier Pitie Salpetriere, Uf Genomique Du Developpement, Assistance Publique Hopitaux de Paris Sorbonne Université
Classification: Pathogenic for Seizure; Intellectual disability; Moderate global developmental delay. Last evaluated: 2019-08-05. Review status: criteria provided, single submitter. Criteria: ACMG Guidelines, 2015. Collection method: clinical testing. Allele origin: inherited. Inheritance: Autosomal recessive inheritance. Affected: yes. Observed: 1 homozygote.
Comment: A first LoF variant was reported in one family with autosomal recessive intellectual disabilities (Najmabadi et al, 2011). The NM_001959.3:c.383C>A, NP_001950.1:p.(Ser128*) variant segregates in the sibship, and is absent in general population alleles in gnomAD ascertained by July 2019. It is a LoF variant in a gene where another LoF variant has been supposed to induce similar symptoms. Moreover, there are multiple lines of computational evidence that support a deleterious effect on the gene or gene product.

NM_001959.4(EEF1B2):c.383C>A (p.Ser128Ter)

Gene: EEF1B2 (eukaryotic translation elongation factor 1 beta 2; plus strand). Cytogenetic location: 2q33.3.
Variant type: single nucleotide variant.
Coding change: c.383C>A on transcript NM_001959.4 (MANE Select); coding-DNA position 383, C replaced by A.
Protein change: p.Ser128Ter; replaces serine 128 with a stop codon.
Molecular consequence: nonsense.
Genome position (GRCh38, 1-based): chr2:206,162,090, C>A. VCF-style: chr2-206162090-C-A. GRCh37 (hg19) VCF-style: chr2-207026814-C-A.
Other names: c.383C>A, p.Ser128Ter (NM_001037663.2, NM_021121.4); short protein forms S128*.
Identifiers: ClinVar variation 689450 (VCV000689450.4), dbSNP rs1576016842, ClinGen allele CA350075553.
Genomic context (GRCh38, chr2:206,162,090, plus strand): 5'-CTTTACAGGAAAGTGAAGAAGCAAAGAGGCTAAGGGAAGAACGTCTTGCACAATATGAAT[C>A]AAAGAAAGCCAAAAGTAGGTCATTTGTTTTTAACTTCATTTCATGTTAATGTAAGTAATC-3'